The following is an entry in ClinVar:

ClinVar aggregate classification (germline): Pathogenic (1 of 4 stars; one submission).

Submission:

Labcorp Genetics (formerly Invitae), Labcorp
Classification: Pathogenic. Last evaluated: 2020-08-30. Review status: criteria provided, single submitter. Criteria: Invitae Variant Classification Sherloc (09022015). Collection method: clinical testing. Allele origin: germline.
Comment: For these reasons, this variant has been classified as Pathogenic. Loss-of-function variants in COL4A4 are known to be pathogenic (PMID: 21196518, 24854265, 25307543). This variant has not been reported in the literature in individuals with COL4A4-related conditions. This variant is not present in population databases (ExAC no frequency). This sequence change creates a premature translational stop signal (p.Pro621Glnfs*32) in the COL4A4 gene. It is expected to result in an absent or disrupted protein product.

Literature cited by the submitters: PubMed 21196518; PubMed 24854265; PubMed 25307543.

NM_000092.5(COL4A4):c.1862del (p.Pro621fs)

Gene: COL4A4 (collagen type IV alpha 4 chain; minus strand). Cytogenetic location: 2q36.3.
Variant type: Deletion.
Coding change: c.1862del on transcript NM_000092.5 (MANE Select); coding-DNA position 1862, one base deleted (C; older notation c.1862delC).
Protein change: p.Pro621fs; shifts the reading frame from proline 621.
Molecular consequence: frameshift variant.
Genome position (GRCh38, 1-based): chr2:227,078,019, G deleted on the plus strand (C on the coding strand, the reverse complement: COL4A4 is on the minus strand); the first of 6 consecutive G bases (chr2:227,078,019-227,078,024); deleting any one gives the same sequence. VCF-style (leftmost placement, unchanged base first): chr2-227078018-TG-T. GRCh37 (hg19) VCF-style: chr2-227942734-TG-T.
Other names: short protein forms P621fs.
Identifiers: ClinVar variation 1075869 (VCV001075869.7), dbSNP rs2150476732, ClinGen allele CA2499215694.